The following is an entry in ClinVar:

NM_014141.6(CNTNAP2):c.3709G>A (p.Asp1237Asn)

Gene: CNTNAP2 (contactin associated protein 2; plus strand). Cytogenetic location: 7q36.1.
Variant type: single nucleotide variant.
Coding change: c.3709G>A on transcript NM_014141.6 (MANE Select); coding-DNA position 3709, G replaced by A.
Protein change: p.Asp1237Asn; replaces aspartic acid 1237 with asparagine.
Molecular consequence: missense variant.
Genome position (GRCh38, 1-based): chr7:148,383,882, G>A. VCF-style: chr7-148383882-G-A. GRCh37 (hg19) VCF-style: chr7-148080974-G-A.
Other names: p.D1237N:GAT>AAT; short protein forms D1237N.
Identifiers: ClinVar variation 205291 (VCV000205291.3), dbSNP rs796052386, ClinGen allele CA314216.

ClinVar aggregate classification (germline): Uncertain significance. Review status: criteria provided, multiple submitters, no conflicts (2 of 4 stars). 2 submissions from 2 submitters: Uncertain significance (2). Last evaluated 2026-07-01.

Allele frequency attached by ClinVar (database versions not stated): gnomAD 0.00001; TOPMed 0.00001.
gnomAD v4.1: 1 of 1,613,500 alleles (0.000062%); highest among the groups gnomAD compares: Admixed American, 0.0017%; no homozygotes.

Submissions (2):

CeGaT Center for Human Genetics Tuebingen
Classification: Uncertain significance. Last evaluated: 2026-07-01. Review status: criteria provided, single submitter. Criteria: CeGaT Center For Human Genetics Tuebingen Variant Classification Criteria Version 2. Collection method: clinical testing. Allele origin: germline. Affected: yes. Observed: 1 variant allele.
Comment: CNTNAP2: PM2

GeneDx
Classification: Uncertain significance. Last evaluated: 2014-02-26. Review status: criteria provided, single submitter. Criteria: GeneDx Variant Classification (06012015). Collection method: clinical testing. Allele origin: germline. Affected: yes.
Comment: p.Asp1237Asn (GAT>AAT): c.3709 G>A in exon 22 of the CNTNAP2 gene (NM_014141.5). The Asp1237Asn variant has not been published as a mutation, nor has it been reported as a benign polymorphism to our knowledge. It was not observed in approximately 6,500 individuals of European and African American ancestry in the NHLBI Exome Sequencing Project, indicating it is not a common benign variant in these populations. The Asp1237Asn variant is a semi-conservative amino acid substitution, which may impact secondary protein structure as these residues differ in some properties. However, this substitution occurs at a position that is not conserved across species and in silico analysis predicts this variant likely does not alter the protein structure/function. Therefore, based on the currently available information, it is unclear whether this variant is a pathogenic mutation or a rare benign variant. The variant is found in EPILEPSY panel(s).